The following is an entry in ClinVar:

NM_013432.5(TONSL):c.3007-2A>C

Gene: TONSL (tonsoku like, DNA repair protein; minus strand). Cytogenetic location: 8q24.3.
Variant type: single nucleotide variant.
Coding change: c.3007-2A>C on transcript NM_013432.5 (MANE Select); the canonical splice acceptor site of the intron before coding-DNA position 3007, A replaced by C.
Molecular consequence: splice acceptor variant.
Genome position (GRCh38, 1-based): chr8:144,434,891, T>G on the plus strand (A>C on the coding strand, the complement: TONSL is on the minus strand). VCF-style: chr8-144434891-T-G. GRCh37 (hg19) VCF-style: chr8-145660274-T-G.
Identifiers: ClinVar variation 2633973 (VCV002633973.1), dbSNP rs1249246199, ClinGen allele CA372649052.

ClinVar aggregate classification (germline): Likely pathogenic (1 of 4 stars; one submission).

Conditions:
TONSL-related disorder. Also called: TONSL-related condition.

Allele frequency attached by ClinVar (database versions not stated): gnomAD exomes below 0.00001; gnomAD 0.00001.
gnomAD v4.1: 2 of 1,613,172 alleles (0.00012%); highest among the groups gnomAD compares: Non-Finnish European, 0.00017%; no homozygotes.

Submission:

PreventionGenetics, part of Exact Sciences
Classification: Likely pathogenic for TONSL-related condition. Last evaluated: 2023-10-05. Review status: criteria provided, single submitter. Criteria: ACMG Guidelines, 2015. Collection method: clinical testing. Allele origin: germline.
Comment: The TONSL c.3007-2A>C variant is predicted to disrupt the AG splice acceptor site and interfere with normal splicing. To our knowledge, this variant has not been reported in the literature. This variant is reported in 0.013% of alleles in individuals of European (Non-Finnish) descent in gnomAD. Variants that disrupt the consensus splice acceptor site in TONSL are expected to be pathogenic. This variant is interpreted as likely pathogenic.